The following is an entry in ClinVar:

ClinVar aggregate classification (germline): Likely benign. Review status: criteria provided, multiple submitters, no conflicts (2 of 4 stars). 3 submissions from 3 submitters: Likely benign (3). Last evaluated 2026-01-09.

Allele frequency attached by ClinVar (database versions not stated): gnomAD 0.00001; TOPMed 0.00001.
gnomAD v4.1: 18 of 1,530,040 alleles (0.0012%); highest among the groups gnomAD compares: East Asian, 0.0024%; no homozygotes.

Submissions (3):

Labcorp Genetics (formerly Invitae), Labcorp
Classification: Likely benign. Last evaluated: 2026-01-09. Review status: criteria provided, single submitter. Criteria: Invitae Variant Classification Sherloc (09022015). Collection method: clinical testing. Allele origin: germline.

CeGaT Center for Human Genetics Tuebingen
Classification: Likely benign. Last evaluated: 2025-10-01. Review status: criteria provided, single submitter. Criteria: CeGaT Center For Human Genetics Tuebingen Variant Classification Criteria Version 2. Collection method: clinical testing. Allele origin: germline. Affected: yes. Observed: 2 variant alleles.
Comment: COL18A1: BP4, BP7

Blueprint Genetics
Classification: Likely benign. Last evaluated: 2022-03-01. Review status: criteria provided, single submitter. Criteria: ACMG Guidelines, 2015. Collection method: clinical testing. Allele origin: germline.

NM_001379500.1(COL18A1):c.3402C>T (p.Tyr1134=)

Genes: COL18A1 (collagen type XVIII alpha 1 chain; plus strand), SLC19A1 (solute carrier family 19 member 1; minus strand). Cytogenetic location: 21q22.3.
Variant type: single nucleotide variant.
Coding change: c.3402C>T on transcript NM_001379500.1 (MANE Select); coding-DNA position 3402, C replaced by T.
Protein change: p.Tyr1134=; no amino-acid change (tyrosine 1134 retained).
Molecular consequence: synonymous variant.
Genome position (GRCh38, 1-based): chr21:45,509,508, C>T. VCF-style: chr21-45509508-C-T. GRCh37 (hg19) VCF-style: chr21-46929422-C-T.
Other names: c.3933C>T, p.Tyr1311= (NM_030582.4); c.4638C>T, p.Tyr1546= (NM_130444.3).
Identifiers: ClinVar variation 1673327 (VCV001673327.30), dbSNP rs1363628713, ClinGen allele CA512687585.